The following is an entry in ClinVar:

NM_004100.5(EYA4):c.1789G>C (p.Val597Leu)

Genes: TARID (TCF21 antisense RNA inducing promoter demethylation; minus strand), EYA4 (EYA transcriptional coactivator and phosphatase 4; plus strand). Cytogenetic location: 6q23.2.
Variant type: single nucleotide variant.
Coding change: c.1789G>C on transcript NM_004100.5 (MANE Select); coding-DNA position 1789, G replaced by C.
Protein change: p.Val597Leu; replaces valine 597 with leucine.
Molecular consequence: missense variant. On other transcripts: intron variant (3).
Genome position (GRCh38, 1-based): chr6:133,525,204, G>C. VCF-style: chr6-133525204-G-C. GRCh37 (hg19) VCF-style: chr6-133846342-G-C.
Other names: c.1807G>C, p.Val603Leu (NM_001301013.2); c.1645G>C, p.Val549Leu (NM_001370459.1); c.1720G>C, p.Val574Leu (NM_172103.4); c.1839+89G>C (NM_172105.4); c.1770+89G>C (NM_001370458.1); c.1677+89G>C (NM_001301012.2); short protein forms V574L, V549L, V597L, V603L.
Identifiers: ClinVar variation 4252200 (VCV004252200.1).
Genomic context (GRCh38, chr6:133,525,204, plus strand): 5'-TATCTTCCAGGAAAAGAAAGTTGCTTTGAACGAATAATGCAAAGGTTTGGCAGAAAAGTA[G>C]TGTATGTTGTAATTGGGGATGGTGTAGAAGAAGAACAGGCAGCAAAAAAGGTAACCTGTC-3'
Protein context (NP_004091.3, residues 587-607): RIMQRFGRKV[Val597Leu]YVVIGDGVEE

ClinVar aggregate classification (germline): Uncertain significance (1 of 4 stars; one submission).

Conditions:
Cardiovascular phenotype. Identifiers: MedGen CN230736.

Submission:

Ambry Genetics
Classification: Uncertain significance for Cardiovascular phenotype. Last evaluated: 2025-07-21. Review status: criteria provided, single submitter. Criteria: Ambry Variant Classification Scheme 2023. Collection method: clinical testing. Allele origin: germline.
Comment: The p.V597L variant (also known as c.1789G>C), located in coding exon 18 of the EYA4 gene, results from a G to C substitution at nucleotide position 1789. The valine at codon 597 is replaced by leucine, an amino acid with highly similar properties. This amino acid position is conserved. In addition, this alteration is predicted to be deleterious by in silico analysis. Based on the available evidence, the clinical significance of this variant remains unclear.